The following is an entry in ClinVar:

NM_013322.3(SNX10):c.249_250insTTTTTTTTTTTTTTTTTTTTNNNNNNNNNNCAGGGAGGCTGCAGTGAGCCGAGATGGCAGCAGCACCGTCCAGCCTTGGCTCGGCATCAGAGGGAGACCCTAAAAACCTGTTTTTC (p.Asn84fs)

Gene: SNX10 (sorting nexin 10; plus strand). Cytogenetic location: 7p15.2.
Variant type: Insertion.
Coding change: c.249_250insTTTTTTTTTTTTTTTTTTTTNNNNNNNNNNCAGGGAGGCTGCAGTGAGCCGAGATGGCAGCAGCACCGTCCAGCCTTGGCTCGGCATCAGAGGGAGACCCTAAAAACCTGTTTTTC on transcript NM_013322.3 (MANE Select); coding-DNA positions 249 to 250, TTTTTTTTTTTTTTTTTTTTNNNNNNNNNNCAGGGAGGCTGCAGTGAGCCGAGATGGCAGCAGCACCGTCCAGCCTTGGCTCGGCATCAGAGGGAGACCCTAAAAACCTGTTTTTC inserted.
Protein change: p.Asn84fs; shifts the reading frame from asparagine 84.
Molecular consequence: frameshift variant. On other transcripts: 5 prime UTR variant (1).
Genome position: GRCh38: chr7:26,365,083-26,365,084. GRCh37 (hg19): chr7:26,404,703-26,404,704.
Other names: c.249_250insTTTTTTTTTTTTTTTTTTTTNNNNNNNNNNCAGGGAGGCTGCAGTGAGCCGAGATGGCAGCAGCACCGTCCAGCCTTGGCTCGGCATCAGAGGGAGACCCTAAAAACCTGTTTTTC, p.Asn84fs (NM_001199835.1, NM_001318199.3); c.240_241insTTTTTTTTTTTTTTTTTTTTNNNNNNNNNNCAGGGAGGCTGCAGTGAGCCGAGATGGCAGCAGCACCGTCCAGCCTTGGCTCGGCATCAGAGGGAGACCCTAAAAACCTGTTTTTC, p.Asn81fs (NM_001199837.3); c.-4_-3insTTTTTTTTTTTTTTTTTTTTNNNNNNNNNNCAGGGAGGCTGCAGTGAGCCGAGATGGCAGCAGCACCGTCCAGCCTTGGCTCGGCATCAGAGGGAGACCCTAAAAACCTGTTTTTC (NM_001199838.2); c.327_328insTTTTTTTTTTTTTTTTTTTTNNNNNNNNNNCAGGGAGGCTGCAGTGAGCCGAGATGGCAGCAGCACCGTCCAGCCTTGGCTCGGCATCAGAGGGAGACCCTAAAAACCTGTTTTTC, p.Asn110fs (NM_001318198.1, NM_001362753.1, NM_001362754.1); short protein forms N81fs, N110fs, N84fs.
Identifiers: ClinVar variation 3714485 (VCV003714485.2).

ClinVar aggregate classification (germline): Pathogenic (1 of 4 stars; one submission).

Submission:

Labcorp Genetics (formerly Invitae), Labcorp
Classification: Pathogenic. Last evaluated: 2024-09-12. Review status: criteria provided, single submitter. Criteria: Invitae Variant Classification Sherloc (09022015). Collection method: clinical testing. Allele origin: germline.
Comment: This sequence change inserts a large fragment of DNA, likely a transposable element, in exon 5 of the SNX10 gene (c.249_250ins?), causing a frameshift at codon 84 (p.Asn84fs). The exact size and sequence of the insertion cannot be determined by the current assay. However, the insertion is expected to result in an absent or disrupted protein product. This variant is not present in population databases (gnomAD no frequency). This variant has not been reported in the literature in individuals affected with SNX10-related conditions. Retrotransposon insertions including LINE1 (L1), Alu, and SVA (SINE-VNTR-Alu) have been reported to be disease-causing through disruption of either a coding region or splice site (PMID: 19763152, 20307669, 22406018) and loss-of-function variants in SNX10 are known to be pathogenic (PMID: 23123320, 23280965, 25811986). For these reasons, this variant has been classified as Pathogenic.

Literature cited by the submitters: PubMed 19763152; PubMed 20307669; PubMed 22406018; PubMed 23123320; PubMed 23280965; PubMed 25811986.